The following is an entry in ClinVar:

ClinVar aggregate classification (germline): Pathogenic (1 of 4 stars; one submission).

Submission:

Genetic Services Laboratory, University of Chicago
Classification: Pathogenic. Last evaluated: 2019-08-21. Review status: criteria provided, single submitter. Criteria: ACMG Guidelines, 2015. Collection method: clinical testing. Allele origin: germline. Affected: yes.
Comment: DNA sequence analysis of the SLC16A2 gene demonstrated a one base pair deletion in exon 3, c.1072del. This pathogenic sequence change results in an amino acid frameshift and creates a premature stop codon 58 amino acids downstream of the sequence change, p.Leu358Cysfs*59. This sequence change is predicted to result in an abnormal transcript, which may be degraded, or may lead to the production of a truncated SLC16A2 protein with potentially abnormal function. This is a novel sequence change that is not present in the population databases (gnomAD and ExAC). While this sequence change has not previously been described in the literature, other truncating variants including frameshift deletions in the SLC16A2 gene have been described in several patients with SLC16A2-related Allan-Herndon-Dudley syndrome (PMIDs: 20083155, 14661163).

NM_006517.5(SLC16A2):c.850del (p.Leu284fs)

Gene: SLC16A2 (solute carrier family 16 member 2; plus strand). Cytogenetic location: Xq13.2.
Variant type: Deletion.
Coding change: c.850del on transcript NM_006517.5 (MANE Select); coding-DNA position 850, one base deleted (C; older notation c.850delC).
Protein change: p.Leu284fs; shifts the reading frame from leucine 284.
Molecular consequence: frameshift variant.
Genome position (GRCh38, 1-based): chrX:74,524,633, C deleted; the last of 2 consecutive C bases (chrX:74,524,632-74,524,633); deleting either gives the same sequence. VCF-style (leftmost placement, unchanged base first): chrX-74524631-TC-T. GRCh37 (hg19) VCF-style: chrX-73744466-TC-T.
Other names: short protein forms L284fs.
Identifiers: ClinVar variation 1335975 (VCV001335975.4), dbSNP rs2147870613, ClinGen allele CA2573055401.
Genomic context (GRCh38, chrX:74,524,631, plus strand): 5'-TCCAGGTGCTGAGTACCTTCATGTTTGTTCTTATGCTGCTTTCACTCACCTACCGGCCCC[TC>T]CTGCCCAGCTCCCAGGACACCCCAAGCAAGAGAGGTGTCCGCACCCTGCACCAGCGCTTT-3'